The following is an entry in ClinVar:

NM_152564.5(VPS13B):c.8614C>A (p.Gln2872Lys)

Gene: VPS13B (vacuolar protein sorting 13 homolog B; plus strand). Cytogenetic location: 8q22.2.
Variant type: single nucleotide variant.
Coding change: c.8614C>A on transcript NM_152564.5 (MANE Select); coding-DNA position 8614, C replaced by A.
Protein change: p.Gln2872Lys; replaces glutamine 2872 with lysine.
Molecular consequence: missense variant.
Genome position (GRCh38, 1-based): chr8:99,818,881, C>A. VCF-style: chr8-99818881-C-A. GRCh37 (hg19) VCF-style: chr8-100831109-C-A.
Other names: c.8689C>A, p.Gln2897Lys (NM_017890.5); short protein forms Q2872K, Q2897K.
Identifiers: ClinVar variation 1429276 (VCV001429276.6), dbSNP rs2130814214, ClinGen allele CA371775202.

ClinVar aggregate classification (germline): Uncertain significance (1 of 4 stars; one submission).

Conditions:
Cohen syndrome (COH1). Also called: Cutis verticis gyrata, retinitis pigmentosa, and sensorineural deafness; PEPPER SYNDROME. Identifiers: Orphanet 193, MedGen C0265223, MONDO:0008999, OMIM 216550.

Submission:

Labcorp Genetics (formerly Invitae), Labcorp
Classification: Uncertain significance for Cohen syndrome. Last evaluated: 2021-09-27. Review status: criteria provided, single submitter. Criteria: Invitae Variant Classification Sherloc (09022015). Collection method: clinical testing. Allele origin: germline.
Comment: In summary, the available evidence is currently insufficient to determine the role of this variant in disease. Therefore, it has been classified as a Variant of Uncertain Significance. Algorithms developed to predict the effect of missense changes on protein structure and function are either unavailable or do not agree on the potential impact of this missense change (SIFT: "Not Available"; PolyPhen-2: "Benign"; Align-GVGD: "Not Available"). This variant has not been reported in the literature in individuals affected with VPS13B-related conditions. This variant is not present in population databases (ExAC no frequency). This sequence change replaces glutamine with lysine at codon 2897 of the VPS13B protein (p.Gln2897Lys). The glutamine residue is moderately conserved and there is a small physicochemical difference between glutamine and lysine.